The following is an entry in ClinVar:

NM_001005273.3(CHD3):c.4738G>A (p.Glu1580Lys)

Gene: CHD3 (chromodomain helicase DNA binding protein 3; plus strand). Cytogenetic location: 17p13.1.
Variant type: single nucleotide variant.
Coding change: c.4738G>A on transcript NM_001005273.3 (MANE Select); coding-DNA position 4738, G replaced by A.
Protein change: p.Glu1580Lys; replaces glutamic acid 1580 with lysine.
Molecular consequence: missense variant.
Genome position (GRCh38, 1-based): chr17:7,907,197, G>A. VCF-style: chr17-7907197-G-A. GRCh37 (hg19) VCF-style: chr17-7810515-G-A.
Other names: c.4915G>A, p.Glu1639Lys (NM_001005271.3); c.4738G>A, p.Glu1580Lys (NM_005852.4); short protein forms E1580K, E1639K.
Identifiers: ClinVar variation 1708879 (VCV001708879.5), dbSNP rs1160718822, ClinGen allele CA397947004.

ClinVar aggregate classification (germline): Uncertain significance. Review status: criteria provided, multiple submitters, no conflicts (2 of 4 stars). 2 submissions from 2 submitters: Uncertain significance (2). Last evaluated 2022-06-27.

Conditions:
Inborn genetic diseases. Identifiers: MedGen C0950123, MeSH D030342.

Allele frequency attached by ClinVar (database versions not stated): gnomAD exomes below 0.00001; gnomAD 0.00001; TOPMed 0.00001.
gnomAD v4.1: 2 of 1,614,136 alleles (0.00012%); highest among the groups gnomAD compares: Non-Finnish European, 0.00017%; no homozygotes.

Submissions (2):

Ambry Genetics
Classification: Uncertain significance for Inborn genetic diseases. Last evaluated: 2022-06-27. Review status: criteria provided, single submitter. Criteria: Ambry Variant Classification Scheme 2023. Collection method: clinical testing. Allele origin: germline.

GeneDx
Classification: Uncertain significance. Last evaluated: 2022-04-05. Review status: criteria provided, single submitter. Criteria: GeneDx Variant Classification Process June 2021. Collection method: clinical testing. Allele origin: germline. Affected: yes.
Comment: Not observed at significant frequency in large population cohorts (gnomAD); In silico analysis supports that this missense variant does not alter protein structure/function; Has not been previously published as pathogenic or benign to our knowledge